The following is an entry in ClinVar:

ClinVar aggregate classification (germline): Uncertain significance (1 of 4 stars; one submission).

Allele frequency attached by ClinVar (database versions not stated): TOPMed below 0.00001.
gnomAD v4.1: 6 of 1,612,322 alleles (0.00037%); highest among the groups gnomAD compares: South Asian, 0.0022%; no homozygotes.

Submission:

Labcorp Genetics (formerly Invitae), Labcorp
Classification: Uncertain significance. Last evaluated: 2022-10-27. Review status: criteria provided, single submitter. Criteria: Invitae Variant Classification Sherloc (09022015). Collection method: clinical testing. Allele origin: germline.
Comment: This sequence change replaces glycine, which is neutral and non-polar, with arginine, which is basic and polar, at codon 538 of the KRT5 protein (p.Gly538Arg). The frequency data for this variant in the population databases is considered unreliable, as metrics indicate poor data quality at this position in the gnomAD database. This variant has not been reported in the literature in individuals affected with KRT5-related conditions. Advanced modeling of protein sequence and biophysical properties (such as structural, functional, and spatial information, amino acid conservation, physicochemical variation, residue mobility, and thermodynamic stability) performed at Invitae indicates that this missense variant is not expected to disrupt KRT5 protein function. In summary, the available evidence is currently insufficient to determine the role of this variant in disease. Therefore, it has been classified as a Variant of Uncertain Significance.

NM_000424.4(KRT5):c.1612G>A (p.Gly538Arg)

Gene: KRT5 (keratin 5; minus strand). Cytogenetic location: 12q13.13.
Variant type: single nucleotide variant.
Coding change: c.1612G>A on transcript NM_000424.4 (MANE Select); coding-DNA position 1612, G replaced by A.
Protein change: p.Gly538Arg; replaces glycine 538 with arginine.
Molecular consequence: missense variant.
Genome position (GRCh38, 1-based): chr12:52,515,103, C>T on the plus strand (G>A on the coding strand, the complement: KRT5 is on the minus strand). VCF-style: chr12-52515103-C-T. GRCh37 (hg19) VCF-style: chr12-52908887-C-T.
Other names: short protein forms G538R.
Identifiers: ClinVar variation 3006413 (VCV003006413.3), dbSNP rs1360525919, ClinGen allele CA384921914.